The following is an entry in ClinVar:

ClinVar aggregate classification (germline): Uncertain significance (1 of 4 stars; one submission).

Submission:

GeneDx
Classification: Uncertain significance. Last evaluated: 2025-06-30. Review status: criteria provided, single submitter. Criteria: GeneDx Variant Classification Process June 2021. Collection method: clinical testing. Allele origin: germline.
Comment: Not observed at significant frequency in large population cohorts (gnomAD); In silico analysis suggests that this missense variant does not alter protein structure/function; Has not been previously published as pathogenic or benign to our knowledge

NM_005529.7(HSPG2):c.8626C>T (p.Pro2876Ser)

Gene: HSPG2 (heparan sulfate proteoglycan 2; minus strand). Cytogenetic location: 1p36.12.
Variant type: single nucleotide variant.
Coding change: c.8626C>T on transcript NM_005529.7 (MANE Select); coding-DNA position 8626, C replaced by T.
Protein change: p.Pro2876Ser; replaces proline 2876 with serine.
Molecular consequence: missense variant.
Genome position (GRCh38, 1-based): chr1:21,843,429, G>A on the plus strand (C>T on the coding strand, the complement: HSPG2 is on the minus strand). VCF-style: chr1-21843429-G-A. GRCh37 (hg19) VCF-style: chr1-22169922-G-A.
Other names: c.8629C>T, p.Pro2877Ser (NM_001291860.2); short protein forms P2876S, P2877S.
Identifiers: ClinVar variation 3900527 (VCV003900527.2).
Genomic context (GRCh38, chr1:21,843,429, plus strand): 5'-TCACTTGGCACGAGTACTCGCCAGAGTCAGCCGGGGACACCTGGTTCAGCCTCAGCAGTG[G>A]GCCGTGGACCTGGCCAAGGTGGGGTGAGAGCGGGGAGGGTGAGCTGGGAGCCTTCAGATG-3'
Protein context (NP_005520.4, residues 2866-2886): NLPARHQVHG[Pro2876Ser]LLRLNQVSPA